The following is an entry in ClinVar:

ClinVar aggregate classification (germline): Likely pathogenic (1 of 4 stars; one submission).

Allele frequency attached by ClinVar (database versions not stated): gnomAD exomes 0.00001.
gnomAD v4.1: 12 of 1,613,952 alleles (0.00074%); highest among the groups gnomAD compares: Admixed American, 0.0017%; no homozygotes.

Submission:

Labcorp Genetics (formerly Invitae), Labcorp
Classification: Likely pathogenic. Last evaluated: 2022-02-20. Review status: criteria provided, single submitter. Criteria: Invitae Variant Classification Sherloc (09022015). Collection method: clinical testing. Allele origin: germline.
Comment: In summary, the currently available evidence indicates that the variant is pathogenic, but additional data are needed to prove that conclusively. Therefore, this variant has been classified as Likely Pathogenic. Algorithms developed to predict the effect of sequence changes on RNA splicing suggest that this variant may disrupt the consensus splice site. This variant has not been reported in the literature in individuals affected with EMC1-related conditions. This variant is not present in population databases (gnomAD no frequency). This sequence change affects an acceptor splice site in intron 8 of the EMC1 gene. It is expected to disrupt RNA splicing. Variants that disrupt the donor or acceptor splice site typically lead to a loss of protein function (PMID: 16199547), and loss-of-function variants in EMC1 are known to be pathogenic (PMID: 26572623, 26942288, 29271071).

Literature cited by the submitters: PubMed 16199547; PubMed 26572623; PubMed 26942288; PubMed 29271071.

NM_015047.3(EMC1):c.955-1G>C

Genes: EMC1 (ER membrane protein complex subunit 1; minus strand), EMC1-AS1 (EMC1 antisense RNA 1; plus strand). Cytogenetic location: 1p36.13.
Variant type: single nucleotide variant.
Coding change: c.955-1G>C on transcript NM_015047.3 (MANE Select); the canonical splice acceptor site of the intron before coding-DNA position 955, G replaced by C.
Molecular consequence: splice acceptor variant.
Genome position (GRCh38, 1-based): chr1:19,239,303, C>G on the plus strand (G>C on the coding strand, the complement: EMC1 is on the minus strand). VCF-style: chr1-19239303-C-G. GRCh37 (hg19) VCF-style: chr1-19565797-C-G.
Other names: c.889-1G>C (NM_001271429.2); c.955-1G>C (NM_001271427.2, NM_001375821.1, NM_001271428.2 and 1 more transcripts).
Identifiers: ClinVar variation 1923812 (VCV001923812.5), dbSNP rs998362250, ClinGen allele CA18821739.
Genomic context (GRCh38, chr1:19,239,303, plus strand): 5'-ACAGGCCATGACTGCAGCCACCGTCTTCTCCCCAGTGGTGGCAAAGCTCACTAGGGCAGT[C>G]TGGGGGAAAAGCAAGGCATCAGCTCCTAAATGGGACCAGTACTAGCCAGCTGCCTTACAG-3'